The following is an entry in ClinVar:

ClinVar aggregate classification (germline): Uncertain significance (1 of 4 stars; one submission).

Conditions:
RASopathy. Also called: rasopathies; Noonan spectrum disorder. Identifiers: Orphanet 536391, MedGen C5555857, MONDO:0021060.

Submission:

Labcorp Genetics (formerly Invitae), Labcorp
Classification: Uncertain significance for RASopathy. Last evaluated: 2021-05-31. Review status: criteria provided, single submitter. Criteria: Invitae Variant Classification Sherloc (09022015). Collection method: clinical testing. Allele origin: germline.
Comment: In summary, the available evidence is currently insufficient to determine the role of this variant in disease. Therefore, it has been classified as a Variant of Uncertain Significance. Advanced modeling of protein sequence and biophysical properties (such as structural, functional, and spatial information, amino acid conservation, physicochemical variation, residue mobility, and thermodynamic stability) performed at Invitae indicates that this missense variant is expected to disrupt SOS1 protein function. This variant has not been reported in the literature in individuals with SOS1-related conditions. This variant is not present in population databases (ExAC no frequency). This sequence change replaces lysine with asparagine at codon 741 of the SOS1 protein (p.Lys741Asn). The lysine residue is moderately conserved and there is a moderate physicochemical difference between lysine and asparagine.

NM_005633.4(SOS1):c.2223A>C (p.Lys741Asn)

Gene: SOS1 (SOS Ras/Rac guanine nucleotide exchange factor 1; minus strand). Cytogenetic location: 2p22.1.
Variant type: single nucleotide variant.
Coding change: c.2223A>C on transcript NM_005633.4 (MANE Select); coding-DNA position 2223, A replaced by C.
Protein change: p.Lys741Asn; replaces lysine 741 with asparagine.
Molecular consequence: missense variant.
Genome position (GRCh38, 1-based): chr2:39,012,293, T>G on the plus strand (A>C on the coding strand, the complement: SOS1 is on the minus strand). VCF-style: chr2-39012293-T-G. GRCh37 (hg19) VCF-style: chr2-39239434-T-G.
Other names: c.2202A>C, p.Lys734Asn (NM_001382394.1); c.2223A>C, p.Lys741Asn (NM_001382395.1); short protein forms K734N, K741N.
Identifiers: ClinVar variation 1479847 (VCV001479847.8), dbSNP rs2124515138, ClinGen allele CA346364357.